The following is an entry in ClinVar:

ClinVar aggregate classification (germline): Uncertain significance (1 of 4 stars; one submission).

Conditions:
Developmental and epileptic encephalopathy, 11 (DEE11). Also called: Early infantile epileptic encephalopathy 11. Identifiers: Orphanet 1934, MedGen C3150987, MONDO:0013388, OMIM 613721.
Seizures, benign familial infantile, 3 (BFIS3). Also called: CONVULSIONS, BENIGN FAMILIAL INFANTILE, 3; Familial neonatal seizures. Identifiers: Orphanet 140927, Orphanet 306, MedGen C1843140, MONDO:0011904, OMIM 607745.

Submission:

Labcorp Genetics (formerly Invitae), Labcorp
Classification: Uncertain significance for Seizures, benign familial infantile, 3; Developmental and epileptic encephalopathy, 11. Last evaluated: 2026-01-21. Review status: criteria provided, single submitter. Criteria: Invitae Variant Classification Sherloc (09022015). Collection method: clinical testing. Allele origin: germline.
Comment: This sequence change replaces phenylalanine, which is neutral and non-polar, with leucine, which is neutral and non-polar, at codon 612 of the SCN2A protein (p.Phe612Leu). This variant is not present in population databases (gnomAD no frequency). This variant has not been reported in the literature in individuals affected with SCN2A-related conditions. Invitae Evidence Modeling of protein sequence and biophysical properties (such as structural, functional, and spatial information, amino acid conservation, physicochemical variation, residue mobility, and thermodynamic stability) has been performed for this missense variant. However, the output from this modeling did not meet the statistical confidence thresholds required to predict the impact of this variant on SCN2A protein function. In summary, the available evidence is currently insufficient to determine the role of this variant in disease. Therefore, it has been classified as a Variant of Uncertain Significance.

NM_001040142.2(SCN2A):c.1834T>C (p.Phe612Leu)

Gene: SCN2A (sodium voltage-gated channel alpha subunit 2; plus strand). Cytogenetic location: 2q24.3.
Variant type: single nucleotide variant.
Coding change: c.1834T>C on transcript NM_001040142.2 (MANE Select); coding-DNA position 1834, T replaced by C.
Protein change: p.Phe612Leu; replaces phenylalanine 612 with leucine.
Molecular consequence: missense variant.
Genome position (GRCh38, 1-based): chr2:165,323,318, T>C. VCF-style: chr2-165323318-T-C. GRCh37 (hg19) VCF-style: chr2-166179828-T-C.
Other names: c.1834T>C, p.Phe612Leu (NM_001040143.2, NM_001371246.1, NM_001371247.1 and 1 more transcripts); short protein forms F612L.
Identifiers: ClinVar variation 4789337 (VCV004789337.1).